The following is an entry in ClinVar:

ClinVar aggregate classification (germline): Uncertain significance. Review status: criteria provided, multiple submitters, no conflicts (2 of 4 stars). 2 submissions from 2 submitters: Uncertain significance (2). Last evaluated 2024-02-06.

Conditions:
Progressive sclerosing poliodystrophy (MTDPS4A). Also called: NEURONAL DEGENERATION OF CHILDHOOD WITH LIVER DISEASE, PROGRESSIVE; Mitochondrial DNA depletion syndrome 4A (Alpers type); Mitochondrial DNA Depletion Syndrome 4A; ALPERS PROGRESSIVE INFANTILE POLIODYSTROPHY; Alpers Syndrome; ALPERS DIFFUSE DEGENERATION OF CEREBRAL GRAY MATTER WITH HEPATIC CIRRHOSIS. Identifiers: Orphanet 726, MedGen C0205710, MONDO:0008758, OMIM 203700.

Allele frequency attached by ClinVar (database versions not stated): TOPMed 0.00001.
gnomAD v4.1: 3 of 1,597,342 alleles (0.00019%); highest among the groups gnomAD compares: African/African-American, 0.0014%; no homozygotes.

Submissions (2):

Labcorp Genetics (formerly Invitae), Labcorp
Classification: Uncertain significance for Progressive sclerosing poliodystrophy. Last evaluated: 2024-02-06. Review status: criteria provided, single submitter. Criteria: Invitae Variant Classification Sherloc (09022015). Collection method: clinical testing. Allele origin: germline.
Comment: This sequence change replaces lysine, which is basic and polar, with asparagine, which is neutral and polar, at codon 925 of the POLG protein (p.Lys925Asn). This variant is not present in population databases (gnomAD no frequency). This variant has not been reported in the literature in individuals affected with POLG-related conditions. Advanced modeling of protein sequence and biophysical properties (such as structural, functional, and spatial information, amino acid conservation, physicochemical variation, residue mobility, and thermodynamic stability) performed at Invitae indicates that this missense variant is expected to disrupt POLG protein function with a positive predictive value of 95%. In summary, the available evidence is currently insufficient to determine the role of this variant in disease. Therefore, it has been classified as a Variant of Uncertain Significance.

Blueprint Genetics
Classification: Uncertain significance. Last evaluated: 2023-09-07. Review status: criteria provided, single submitter. Criteria: ACMG Guidelines, 2015. Collection method: clinical testing. Allele origin: germline.

NM_002693.3(POLG):c.2775G>C (p.Lys925Asn)

Gene: POLG (DNA polymerase gamma, catalytic subunit; minus strand). Cytogenetic location: 15q26.1.
Variant type: single nucleotide variant.
Coding change: c.2775G>C on transcript NM_002693.3 (MANE Select); coding-DNA position 2775, G replaced by C.
Protein change: p.Lys925Asn; replaces lysine 925 with asparagine.
Molecular consequence: missense variant.
Genome position (GRCh38, 1-based): chr15:89,320,972, C>G on the plus strand (G>C on the coding strand, the complement: POLG is on the minus strand). VCF-style: chr15-89320972-C-G. GRCh37 (hg19) VCF-style: chr15-89864203-C-G.
Other names: c.2775G>C, p.Lys925Asn (NM_001126131.2); short protein forms K925N.
Identifiers: ClinVar variation 2727675 (VCV002727675.4), dbSNP rs2055386832, ClinGen allele CA393753180.
Genomic context (GRCh38, chr15:89,320,972, plus strand): 5'-ATGCTCACGGCTGATGCCCACAGTAGTGGCTGTCTTACTGTGTAGATCAGTGCCCCTGCT[C>G]TTCCTGCCCTGCAGTGTCATCCACCCAAAGGCTGTGCAGCCTGGAAGACAAGCAGGAGTG-3'
Protein context (NP_002684.1, residues 915-935): AFGWMTLQGR[Lys925Asn]SRGTDLHSKT